The following is an entry in ClinVar:

ClinVar aggregate classification (germline): Pathogenic. Review status: criteria provided, multiple submitters, no conflicts (2 of 4 stars). 2 submissions from 2 submitters: Pathogenic (2). Last evaluated 2024-02-27.

Conditions:
GNPTAB-mucolipidosis. Also called: UDP-N-acetylglucosamine-1-phosphotransferase subunit alpha/beta deficiency. Identifiers: MedGen CN322573, MONDO:0100122.
Mucolipidosis type II. Also called: Mucolipidosis II Alpha/Beta; ML II ALPHA/BETA; Mucolipidosis 2; ML 2; Inclusion cell disease; Leroy Disease. Identifiers: Orphanet 576, MedGen C2673377, MONDO:0009650, OMIM 252500.
Pseudo-Hurler polydystrophy. Also called: MUCOLIPIDOSIS IIIA; ML III; ML III ALPHA/BETA; Type III Mucolipidosis; ML IIIA; Mucolipidosis III Alpha/Beta. Identifiers: Orphanet 423461, Orphanet 577, MedGen C0033788, MONDO:0018931, OMIM 252600.

Submissions (2):

Myriad Genetics, Inc.
Classification: Pathogenic for GNPTAB-mucolipidosis. Last evaluated: 2024-02-27. Review status: criteria provided, single submitter. Criteria: Myriad Autosomal Dominant, Autosomal Recessive and X-Linked Classification Criteria (2023). Collection method: clinical testing. Allele origin: unknown.
Comment: NM_024312.4(GNPTAB):c.2467C>T(Q823*) is expected to be pathogenic in the context of GNPTAB-related disorders. This variant is predicted to lead to an abnormal or absent protein product due to the creation of a premature termination codon in GNPTAB, a gene where loss-of-function variants are known to be pathogenic. Please note: this variant was assessed in the context of healthy population screening.

Labcorp Genetics (formerly Invitae), Labcorp
Classification: Pathogenic for Pseudo-Hurler polydystrophy; Mucolipidosis type II. Last evaluated: 2022-01-19. Review status: criteria provided, single submitter. Criteria: Invitae Variant Classification Sherloc (09022015). Collection method: clinical testing. Allele origin: germline.
Comment: For these reasons, this variant has been classified as Pathogenic. This variant has not been reported in the literature in individuals affected with GNPTAB-related conditions. This sequence change creates a premature translational stop signal (p.Gln823*) in the GNPTAB gene. It is expected to result in an absent or disrupted protein product. Loss-of-function variants in GNPTAB are known to be pathogenic (PMID: 19617216, 25107912). This variant is not present in population databases (gnomAD no frequency).

Literature cited by the submitters: PubMed 19617216 (cited by Labcorp Genetics (formerly Invitae), Labcorp); PubMed 25107912 (cited by Labcorp Genetics (formerly Invitae), Labcorp).

NM_024312.5(GNPTAB):c.2467C>T (p.Gln823Ter)

Gene: GNPTAB (N-acetylglucosamine-1-phosphate transferase subunits alpha and beta; minus strand). Cytogenetic location: 12q23.2.
Variant type: single nucleotide variant.
Coding change: c.2467C>T on transcript NM_024312.5 (MANE Select); coding-DNA position 2467, C replaced by T.
Protein change: p.Gln823Ter; replaces glutamine 823 with a stop codon.
Molecular consequence: nonsense.
Genome position (GRCh38, 1-based): chr12:101,764,450, G>A on the plus strand (C>T on the coding strand, the complement: GNPTAB is on the minus strand). VCF-style: chr12-101764450-G-A. GRCh37 (hg19) VCF-style: chr12-102158228-G-A.
Other names: short protein forms Q823*.
Identifiers: ClinVar variation 2081559 (VCV002081559.5), dbSNP rs2547956808, ClinGen allele CA386298178.
Genomic context (GRCh38, chr12:101,764,450, plus strand): 5'-CCAGTGGAACAATCAGAGATGGGGGCTTTTCTTTTGTCACATTTCCGCCTATGGTTTTTT[G>A]GGTGTGAGTTTCCACTCTAAATCTTGCTGTGGTCTCCAAGTCCAGGGGTGGATTCTGACC-3'